The following is an entry in ClinVar:

ClinVar aggregate classification (germline): Uncertain significance (1 of 4 stars; one submission).

Allele frequency attached by ClinVar (database versions not stated): gnomAD exomes below 0.00001.
gnomAD v4.1: 1 of 1,612,910 alleles (0.000062%); highest among the groups gnomAD compares: Non-Finnish European, 0.000085%; no homozygotes.

Submission:

Labcorp Genetics (formerly Invitae), Labcorp
Classification: Uncertain significance. Last evaluated: 2023-12-25. Review status: criteria provided, single submitter. Criteria: Invitae Variant Classification Sherloc (09022015). Collection method: clinical testing. Allele origin: germline.
Comment: This sequence change replaces lysine, which is basic and polar, with arginine, which is basic and polar, at codon 768 of the WFS1 protein (p.Lys768Arg). This variant is present in population databases (no rsID available, gnomAD 0.0009%). This variant has not been reported in the literature in individuals affected with WFS1-related conditions. Advanced modeling of protein sequence and biophysical properties (such as structural, functional, and spatial information, amino acid conservation, physicochemical variation, residue mobility, and thermodynamic stability) performed at Invitae indicates that this missense variant is not expected to disrupt WFS1 protein function with a negative predictive value of 95%. In summary, the available evidence is currently insufficient to determine the role of this variant in disease. Therefore, it has been classified as a Variant of Uncertain Significance.

NM_006005.3(WFS1):c.2303A>G (p.Lys768Arg)

Gene: WFS1 (wolframin ER transmembrane glycoprotein; plus strand). Cytogenetic location: 4p16.1.
Variant type: single nucleotide variant.
Coding change: c.2303A>G on transcript NM_006005.3 (MANE Select); coding-DNA position 2303, A replaced by G.
Protein change: p.Lys768Arg; replaces lysine 768 with arginine.
Molecular consequence: missense variant.
Genome position (GRCh38, 1-based): chr4:6,302,098, A>G. VCF-style: chr4-6302098-A-G. GRCh37 (hg19) VCF-style: chr4-6303825-A-G.
Other names: c.2303A>G, p.Lys768Arg (NM_001145853.1); short protein forms K768R.
Identifiers: ClinVar variation 2723744 (VCV002723744.3), dbSNP rs1311585269, ClinGen allele CA356178322.